The following is an entry in ClinVar:

ClinVar aggregate classification (germline): Pathogenic (1 of 4 stars; one submission).

Conditions:
Cerebellar atrophy, visual impairment, and psychomotor retardation;. Also called: Cerebellar atrophy, visual impairment, and psychomotor retardation. Identifiers: MedGen C4225172, MONDO:0014811, OMIM 616875.

Allele frequency attached by ClinVar (database versions not stated): gnomAD exomes below 0.00001.
gnomAD v4.1: 2 of 1,614,188 alleles (0.00012%); highest among the groups gnomAD compares: Non-Finnish European, 0.000085%; no homozygotes.

Submission:

Victorian Clinical Genetics Services, Murdoch Childrens Research Institute
Classification: Pathogenic for Cerebellar atrophy, visual impairment, and psychomotor retardation;. Last evaluated: 2021-05-06. Review status: criteria provided, single submitter. Criteria: ACMG Guidelines, 2015. Collection method: clinical testing. Allele origin: germline. Inheritance: Autosomal recessive inheritance. Affected: yes.
Comment: Based on the classification scheme VCGS_Germline_v1.3.4, this variant is classified as Pathogenic. Following criteria are met: 0102 - Loss of function is a known mechanism of disease in this gene and is associated with cerebellar atrophy, visual impairment, and psychomotor retardation (MIM#616875). (I) 0106 - This gene is associated with autosomal recessive disease. However, one de novo missense variant has been reported in an individual with global developmental delay, hypotonia, scoliosis, and cerebellar atrophy (PMID: 26942288). (I) 0201 - Variant is predicted to cause nonsense-mediated decay (NMD) and loss of protein (premature termination codon is located at least 54 nucleotides upstream of the final exon-exon junction). (SP) 0251 - This variant is heterozygous. (I) 0304 - Variant is present in gnomAD (v2) <0.01 for a recessive condition (1 heterozygote, 0 homozygotes). (SP) 0702 - Multiple NMD predicted variants comparable to the one identified in this case have strong previous evidence for pathogenicity (ClinVar, Decipher, LOVD, PMID: 32092440). (SP) 0807 - This variant has no previous evidence of pathogenicity. (I) 0905 - No published segregation evidence has been identified for this variant. (I) 1007 - No published functional evidence has been identified for this variant. (I) 1208 - Inheritance information for this variant is not currently available in this individual. (I) Legend: (SP) - Supporting pathogenic, (I) - Information, (SB) - Supporting benign

Literature cited by the submitters: PubMed 26942288; PubMed 32092440.

NM_015047.3(EMC1):c.661C>T (p.Gln221Ter)

Genes: EMC1 (ER membrane protein complex subunit 1; minus strand), EMC1-AS1 (EMC1 antisense RNA 1; plus strand). Cytogenetic location: 1p36.13.
Variant type: single nucleotide variant.
Coding change: c.661C>T on transcript NM_015047.3 (MANE Select); coding-DNA position 661, C replaced by T.
Protein change: p.Gln221Ter; replaces glutamine 221 with a stop codon.
Molecular consequence: nonsense. On other transcripts: non-coding transcript variant (1).
Genome position (GRCh38, 1-based): chr1:19,240,422, G>A on the plus strand (C>T on the coding strand, the complement: EMC1 is on the minus strand). VCF-style: chr1-19240422-G-A. GRCh37 (hg19) VCF-style: chr1-19566916-G-A.
Other names: c.661C>T, p.Gln221Ter (NM_001271427.2, NM_001271428.2, NM_001375820.1 and 1 more transcripts); c.595C>T, p.Gln199Ter (NM_001271429.2); short protein forms Q199*, Q221*.
Identifiers: ClinVar variation 1805606 (VCV001805606.1), dbSNP rs1290319110, ClinGen allele CA338769263.
Genomic context (GRCh38, chr1:19,240,422, plus strand): 5'-TCGGGTCAGGACACACCAGGACAGCCTCATCCACCACACCACAGGCTCCAGACAGGTGCT[G>A]CAGCCACGGAGTTGAAACCCTAACCTACAGAAAAGTCATCGTTAACAGGAAGCTCGTGAA-3'